The following is an entry in ClinVar:

NM_004380.3(CREBBP):c.5418G>A (p.Lys1806=)

Gene: CREBBP (CREB binding lysine acetyltransferase; minus strand). Cytogenetic location: 16p13.3.
Variant type: single nucleotide variant.
Coding change: c.5418G>A on transcript NM_004380.3 (MANE Select); coding-DNA position 5418, G replaced by A.
Protein change: p.Lys1806=; no amino-acid change (lysine 1806 retained).
Molecular consequence: synonymous variant.
Genome position (GRCh38, 1-based): chr16:3,729,629, C>T on the plus strand (G>A on the coding strand, the complement: CREBBP is on the minus strand). VCF-style: chr16-3729629-C-T. GRCh37 (hg19) VCF-style: chr16-3779630-C-T.
Other names: c.5304G>A, p.Lys1768= (NM_001079846.1); c.5418G>A (NM_004380.2).
Identifiers: ClinVar variation 2148127 (VCV002148127.6), dbSNP rs148004878, ClinGen allele CA276972251.

ClinVar aggregate classification (germline): Likely benign. Review status: criteria provided, multiple submitters, no conflicts (2 of 4 stars). 3 submissions from 3 submitters: Likely benign (2). 1 of the submissions does not count toward it. Last evaluated 2025-11-17.

Conditions:
Rubinstein-Taybi syndrome (RSTS). Identifiers: Orphanet 783, MedGen C0035934, MONDO:0019188.
CREBBP-related disorder. Also called: CREBBP-related condition; CREBBP-related disorders.

Allele frequency attached by ClinVar (database versions not stated): gnomAD exomes below 0.00001; TOPMed below 0.00001; gnomAD 0.00001; ESP Exome Variant Server 0.00008.
gnomAD v4.1: 5 of 1,613,984 alleles (0.00031%); highest among the groups gnomAD compares: Non-Finnish European, 0.00034%; no homozygotes.

Submissions (3):

Women's Health and Genetics/Laboratory Corporation of America, LabCorp
Classification: Likely benign. Last evaluated: 2025-11-17. Review status: criteria provided, single submitter. Criteria: LabCorp Variant Classification Summary - May 2015. Collection method: clinical testing. Allele origin: germline.
Comment: Variant summary: CREBBP c.5418G>A alters a conserved nucleotide resulting in a synonymous change. Consensus agreement among computation tools predict no significant impact on normal splicing. However, these predictions have yet to be confirmed by functional studies. The variant was absent in 31376 control chromosomes. The available data on variant occurrences in the general population are insufficient to allow any conclusion about variant significance. To our knowledge, no occurrence of c.5418G>A in individuals affected with CREBBP-related conditions and no experimental evidence demonstrating its impact on protein function have been reported. ClinVar contains an entry for this variant (Variation ID: 2148127). Based on the evidence outlined above, the variant was classified as likely benign.

Labcorp Genetics (formerly Invitae), Labcorp
Classification: Likely benign for Rubinstein-Taybi syndrome. Last evaluated: 2022-09-14. Review status: criteria provided, single submitter. Criteria: Invitae Variant Classification Sherloc (09022015). Collection method: clinical testing. Allele origin: germline.

PreventionGenetics, part of Exact Sciences
Classification: Likely benign for CREBBP-related condition. Last evaluated: 2024-06-07. Review status: no assertion criteria provided. Collection method: clinical testing. Allele origin: germline. Not counted in ClinVar's aggregate classification.
Comment: This variant is classified as likely benign based on ACMG/AMP sequence variant interpretation guidelines (Richards et al. 2015 PMID: 25741868, with internal and published modifications).